The following is an entry in ClinVar:

ClinVar aggregate classification (germline): Uncertain significance (1 of 4 stars; one submission).

Allele frequency attached by ClinVar (database versions not stated): gnomAD exomes below 0.00001; ExAC 0.00001; TOPMed 0.00001.
gnomAD v4.1: 3 of 1,614,116 alleles (0.00019%); highest among the groups gnomAD compares: African/African-American, 0.0013%; no homozygotes.

Submission:

Labcorp Genetics (formerly Invitae), Labcorp
Classification: Uncertain significance. Last evaluated: 2021-08-31. Review status: criteria provided, single submitter. Criteria: Invitae Variant Classification Sherloc (09022015). Collection method: clinical testing. Allele origin: germline.
Comment: This sequence change replaces proline with serine at codon 2725 of the SZT2 protein (p.Pro2725Ser). The proline residue is highly conserved and there is a moderate physicochemical difference between proline and serine. This variant is present in population databases (rs752904064, ExAC 0.002%). This variant has not been reported in the literature in individuals affected with SZT2-related conditions. Algorithms developed to predict the effect of missense changes on protein structure and function (SIFT, PolyPhen-2, Align-GVGD) all suggest that this variant is likely to be disruptive. In summary, the available evidence is currently insufficient to determine the role of this variant in disease. Therefore, it has been classified as a Variant of Uncertain Significance.

NM_001365999.1(SZT2):c.8344C>T (p.Pro2782Ser)

Gene: SZT2 (SZT2 subunit of KICSTOR complex; plus strand). Cytogenetic location: 1p34.2.
Variant type: single nucleotide variant.
Coding change: c.8344C>T on transcript NM_001365999.1 (MANE Select); coding-DNA position 8344, C replaced by T.
Protein change: p.Pro2782Ser; replaces proline 2782 with serine.
Molecular consequence: missense variant.
Genome position (GRCh38, 1-based): chr1:43,443,011, C>T. VCF-style: chr1-43443011-C-T. GRCh37 (hg19) VCF-style: chr1-43908682-C-T.
Other names: c.8173C>T, p.Pro2725Ser (NM_015284.4); short protein forms P2725S, P2782S.
Identifiers: ClinVar variation 943155 (VCV000943155.7), dbSNP rs752904064, ClinGen allele CA810516.